The following is an entry in ClinVar:

ClinVar aggregate classification (germline): Uncertain significance (1 of 4 stars; one submission).

Submission:

Labcorp Genetics (formerly Invitae), Labcorp
Classification: Uncertain significance. Last evaluated: 2025-09-07. Review status: criteria provided, single submitter. Criteria: Invitae Variant Classification Sherloc (09022015). Collection method: clinical testing. Allele origin: germline.
Comment: This sequence change replaces methionine, which is neutral and non-polar, with valine, which is neutral and non-polar, at codon 14 of the DCHS1 protein (p.Met14Val). This variant is not present in population databases (gnomAD no frequency). This variant has not been reported in the literature in individuals affected with DCHS1-related conditions. Invitae Evidence Modeling of protein sequence and biophysical properties (such as structural, functional, and spatial information, amino acid conservation, physicochemical variation, residue mobility, and thermodynamic stability) indicates that this missense variant is not expected to disrupt DCHS1 protein function with a negative predictive value of 95%. In summary, the available evidence is currently insufficient to determine the role of this variant in disease. Therefore, it has been classified as a Variant of Uncertain Significance.

NM_003737.4(DCHS1):c.40A>G (p.Met14Val)

Gene: DCHS1 (dachsous cadherin-related 1; minus strand). Cytogenetic location: 11p15.4.
Variant type: single nucleotide variant.
Coding change: c.40A>G on transcript NM_003737.4 (MANE Select); coding-DNA position 40, A replaced by G.
Protein change: p.Met14Val; replaces methionine 14 with valine.
Molecular consequence: missense variant.
Genome position (GRCh38, 1-based): chr11:6,641,574, T>C on the plus strand (A>G on the coding strand, the complement: DCHS1 is on the minus strand). VCF-style: chr11-6641574-T-C. GRCh37 (hg19) VCF-style: chr11-6662805-T-C.
Other names: short protein forms M14V.
Identifiers: ClinVar variation 4752558 (VCV004752558.1).